The following is an entry in ClinVar:

NM_000016.6(ACADM):c.799G>A (p.Gly267Arg)

Gene: ACADM (acyl-CoA dehydrogenase medium chain; plus strand). Cytogenetic location: 1p31.1.
Variant type: single nucleotide variant.
Coding change: c.799G>A on transcript NM_000016.6 (MANE Select); coding-DNA position 799, G replaced by A.
Protein change: p.Gly267Arg; replaces glycine 267 with arginine.
Molecular consequence: missense variant.
Genome position (GRCh38, 1-based): chr1:75,749,509, G>A. VCF-style: chr1-75749509-G-A. GRCh37 (hg19) VCF-style: chr1-76215194-G-A.
Other names: p.G267R:GGA>AGA; p.G267R; 799G>A; c.811G>A, p.Gly271Arg (NM_001127328.3); c.691G>A, p.Gly231Arg (NM_001286042.2); c.898G>A, p.Gly300Arg (NM_001286043.2); c.232G>A, p.Gly78Arg (NM_001286044.2); short protein forms G267R, G271R, G300R, G78R, G231R.
Identifiers: ClinVar variation 3588 (VCV000003588.68), dbSNP rs121434274, ClinGen allele CA252824.

ClinVar aggregate classification (germline): Pathogenic/Likely pathogenic. Review status: criteria provided, multiple submitters, no conflicts (2 of 4 stars). 34 submissions from 34 submitters: Pathogenic (31); Likely pathogenic (1). 2 of the submissions do not count toward it. Last evaluated 2026-05-11.

Conditions:
ACADM-related disorder. Also called: ACADM-related condition.
Deficiency of butyryl-CoA dehydrogenase (ACADSD). Also called: ACYL-CoA DEHYDROGENASE, SHORT-CHAIN, DEFICIENCY OF; SCAD DEFICIENCY, MILD; SCADH DEFICIENCY; ACADS DEFICIENCY; Short-Chain Acyl-CoA Dehydrogenase Deficiency; SCAD Deficiency. Identifiers: Orphanet 26792, MedGen C0342783, MONDO:0008722, OMIM 201470. Disease mechanism: May be benign.
Medium-chain acyl-coenzyme A dehydrogenase deficiency (ACADMD). Also called: CARNITINE DEFICIENCY SECONDARY TO MEDIUM-CHAIN ACYL-CoA DEHYDROGENASE DEFICIENCY; MCADH DEFICIENCY; MCADD; Medium chain acyl-CoA dehydrogenase deficiency; ACADM DEFICIENCY; MCAD Deficiency. Identifiers: Orphanet 42, MedGen C0220710, MONDO:0008721, OMIM 201450.

Allele frequency attached by ClinVar (database versions not stated): gnomAD 0.00011 and 0.00013; gnomAD exomes 0.00022 and 0.00021; TOPMed 0.00017; ExAC 0.00021.

Submissions 1 to 12 of 34:

PreventionGenetics, part of Exact Sciences
Classification: Pathogenic for ACADM-related condition. Last evaluated: 2026-05-11. Review status: criteria provided, single submitter. Criteria: ACMG Guidelines, 2015. Collection method: clinical testing. Allele origin: germline.
Comment: The ACADM c.799G>A variant is predicted to result in the amino acid substitution p.Gly267Arg. This variant, which has also been referred to in the literature as p.Gly242Arg, has been reported in the homozygous or compound heterozygous state in multiple individuals with medium chain acyl-CoA dehydrogenase deficiency (MCADD; see, for example, Yokota et al. 1991. PubMed ID: 1684086; Sturm et al. 2012. PubMed ID: 23028790; Weiss et al. 2023. PubMed ID: 36840705). Experimental studies indicate this variant reduces MCAD protein levels and enzyme activity (Sturm et al. 2012. PubMed ID: 23028790; Koster et al. 2014. PubMed ID: 24966162). This variant is reported in 0.049% of alleles in individuals of South Asian descent in gnomAD. This variant is interpreted as pathogenic.

Labcorp Genetics (formerly Invitae), Labcorp
Classification: Pathogenic for Medium-chain acyl-coenzyme A dehydrogenase deficiency. Last evaluated: 2026-01-24. Review status: criteria provided, single submitter. Criteria: Invitae Variant Classification Sherloc (09022015). Collection method: clinical testing. Allele origin: germline.
Comment: This sequence change replaces glycine, which is neutral and non-polar, with arginine, which is basic and polar, at codon 267 of the ACADM protein (p.Gly267Arg). This variant is present in population databases (rs121434274, gnomAD 0.05%). This missense change has been observed in individual(s) with MCAD deficiency (PMID: 1684086, 16291504, 22848008, 23028790; internal data). ClinVar contains an entry for this variant (Variation ID: 3588). Invitae Evidence Modeling of protein sequence and biophysical properties (such as structural, functional, and spatial information, amino acid conservation, physicochemical variation, residue mobility, and thermodynamic stability) indicates that this missense variant is expected to disrupt ACADM protein function with a positive predictive value of 80%. Experimental studies have shown that this missense change affects ACADM function (PMID: 9158144, 24966162). For these reasons, this variant has been classified as Pathogenic.

Natera, Inc.
Classification: Pathogenic for Medium Chain Acyl-CoA Dehydrogenase Deficiency. Last evaluated: 2025-11-17. Review status: criteria provided, single submitter. Criteria: Natera Variant Classification Schema (03/2026). Collection method: clinical testing. Allele origin: germline.
Comment: The c.799G>A variant in ACADM is a missense variant predicted to cause substitution of glycine to arginine at amino acid 267. This variant is rare in the general population with a frequency below the threshold expected for the associated phenotype(s). This variant has been observed in one or more individuals affected with the associated recessive disease, as either homozygous or compound heterozygous with a second variant (PMID: 20434380, 9158144). Computational prediction algorithms indicate this variant is likely to affect gene or protein function. Given the available evidence, this variant is classified as Pathogenic.

CeGaT Center for Human Genetics Tuebingen
Classification: Pathogenic. Last evaluated: 2025-10-01. Review status: criteria provided, single submitter. Criteria: CeGaT Center For Human Genetics Tuebingen Variant Classification Criteria Version 2. Collection method: clinical testing. Allele origin: germline. Affected: yes. Observed: 1 variant allele.
Comment: ACADM: PM3:Very Strong, PM2, PP4:Moderate, PS3:Supporting

Variantyx, Inc.
Classification: Pathogenic for Medium-chain acyl-coenzyme A dehydrogenase deficiency. Last evaluated: 2025-08-27. Review status: criteria provided, single submitter. Criteria: Variantyx Assertion Criteria 2022. Collection method: clinical testing. Allele origin: germline. Inheritance: Autosomal recessive inheritance.
Comment: This is a nonsynonymous variant in the ACADM gene (OMIM: 607008). Pathogenic variants in this gene have been associated with autosomal recessive medium chain acyl-CoA dehydrogenase (MCAD) deficiency. This variant has been reported in the homozygous or compound heterozygous state in many unrelated affected individuals (PMID: 1684086, 31012112, 22848008, 20434380, 11409868, 23028790) (PM3_Very_Strong). Functional studies have shown that this variant alters ACADM protein function (PMID: 23028790, 24966162, 11409868) (PS3), and multiple computational algorithms predict a deleterious effect for this variant (REVEL score: 0.983) (PP3_Strong). This variant has a 0.0490% maximum allele frequency in non-founder control populations (PM2_Supporting). Based on the current evidence, this variant is classified as pathogenic for autosomal recessive medium chain acyl-CoA dehydrogenase (MCAD) deficiency

First Genomix Gene Laboratory, Genetic Diagnostics Department
Classification: Pathogenic for Medium-chain acyl-coenzyme A dehydrogenase deficiency. Last evaluated: 2025-04-11. Review status: criteria provided, single submitter. Criteria: ACMG Guidelines, 2015. Collection method: clinical testing. Allele origin: germline. Inheritance: Autosomal recessive inheritance. Affected: no. Observed: 1 variant allele.

Revvity Omics, Revvity
Classification: Pathogenic for Medium-chain acyl-coenzyme A dehydrogenase deficiency. Last evaluated: 2025-03-21. Review status: criteria provided, single submitter. Criteria: ACMG Guidelines, 2015. Collection method: clinical testing. Allele origin: germline.

Mayo Clinic Laboratories, Mayo Clinic
Classification: Pathogenic. Last evaluated: 2025-02-03. Review status: criteria provided, single submitter. Criteria: ACMG Guidelines, 2015. Collection method: clinical testing. Allele origin: germline. Observed: 1 variant allele.
Comment: PP3_strong, PP4, PM2_supporting, PM3_strong, PS3

Victorian Clinical Genetics Services, Murdoch Childrens Research Institute
Classification: Pathogenic for Medium-chain acyl-coenzyme A dehydrogenase deficiency. Last evaluated: 2024-10-10. Review status: criteria provided, single submitter. Criteria: ACMG Guidelines, 2015. Collection method: clinical testing. Allele origin: germline. Inheritance: Autosomal dominant inheritance. Affected: no.
Comment: Based on the classification scheme VCGS_Germline_v1.3.5, this variant is classified as Pathogenic. Following criteria are met: 0102 - Loss of function is a known mechanism of disease in this gene and is associated with deficiency of medium chain acyl-CoA dehydrogenase (MCAD) (MIM#201450). (I) 0106 - This gene is associated with autosomal recessive disease. (I) 0115 - Variants in this gene are known to have variable expressivity. Clinical presentation varies from asymptomatic to fulminant course (OMIM). (I) 0200 - Variant is predicted to result in a missense amino acid change from glycine to arginine. (I) 0251 - This variant is heterozygous. (I) 0304 - Variant is present in gnomAD <0.01 (v4) for a recessive condition (338 heterozygotes, 0 homozygotes). (SP) 0309 - An alternative amino acid change at the same position has been observed in gnomAD (v4; 1 heterozygote, 0 homozygotes). (I) 0501 - Missense variant consistently predicted to be damaging by multiple in silico tools or highly conserved with a major amino acid change. (SP) 0600 - Variant is located in the annotated Acyl-CoA dehydrogenase, C-terminal domain (DECIPHER). (I) 0801 - This variant has strong previous evidence of pathogenicity in unrelated individuals. This variant has been reported as likely pathogenic/pathogenic by multiple clinical laboratories in ClinVar. (I) Legend: (SP) - Supporting pathogenic, (I) - Information, (SB) - Supporting benign

Department of Genetics of Metabolic Diseases, Institute of Medical & Molecular Genetics, Hospital Universitario Hospital La Paz
Classification: Pathogenic for Medium-chain acyl-coenzyme A dehydrogenase deficiency. Last evaluated: 2024-09-01. Review status: criteria provided, single submitter. Criteria: ACMG Guidelines, 2015. Collection method: clinical testing. Allele origin: germline. Inheritance: Autosomal recessive inheritance. Affected: yes.
Comment: The variant NM_000016.5:c.799G>A p.(Gly267Arg) in ACADM is absent from controls in population databases (gnomAD). Functional studies in fibroblasts confirm this variant reduces significatively MCAD´s activity (PMID: 23028790). This variant has been observed in homozygous and compound heterozygous newborns with abnormal levels of C8 acylcarnitine at NBS consistent with MCADD (PMID: 23028790, 24966162, 31012112, Hidalgo Mayoral I et al., in press).

Blueprint Genetics
Classification: Pathogenic for ACADM-related disorders. Last evaluated: 2024-08-19. Review status: criteria provided, single submitter. Criteria: ACMG Guidelines, 2015. Collection method: clinical testing. Allele origin: germline. Affected: yes. Observed: 5 variant alleles.

Department of Human Genetics, Hannover Medical School
Classification: Pathogenic for Medium-chain acyl-coenzyme A dehydrogenase deficiency. Last evaluated: 2024-07-22. Review status: criteria provided, single submitter. Criteria: ACMG Guidelines, 2015. Collection method: clinical testing. Allele origin: germline. Affected: yes.